The following is an entry in ClinVar:

NM_004380.3(CREBBP):c.4728+6G>A

Gene: CREBBP (CREB binding lysine acetyltransferase; minus strand). Cytogenetic location: 16p13.3.
Variant type: single nucleotide variant.
Coding change: c.4728+6G>A on transcript NM_004380.3 (MANE Select); 6 bases into the intron after coding-DNA position 4728, G replaced by A.
Molecular consequence: intron variant.
Genome position (GRCh38, 1-based): chr16:3,736,030, C>T on the plus strand (G>A on the coding strand, the complement: CREBBP is on the minus strand). VCF-style: chr16-3736030-C-T. GRCh37 (hg19) VCF-style: chr16-3786031-C-T.
Other names: c.4614+6G>A (NM_001079846.1).
Identifiers: ClinVar variation 3354605 (VCV003354605.1).
Genomic context (GRCh38, chr16:3,736,030, plus strand): 5'-CCCAGCCTGCCACCCTGCAGCTCCAGCGGGACACGTGGGCAATGGAGCTCAGAGAAGGGT[C>T]TGTACCTCAGTGGTTTCACTGGCTGCAGTGCTCTCTTCCTTTTTCCTCTCCTCTTCTTCT-3'

ClinVar aggregate classification (germline): Likely benign (0 of 4 stars; one submission).

Conditions:
CREBBP-related disorder. Also called: CREBBP-related condition; CREBBP-related disorders.

Submission:

PreventionGenetics, part of Exact Sciences
Classification: Likely benign for CREBBP-related condition. Last evaluated: 2021-10-29. Review status: no assertion criteria provided. Collection method: clinical testing. Allele origin: germline.
Comment: This variant is classified as likely benign based on ACMG/AMP sequence variant interpretation guidelines (Richards et al. 2015 PMID: 25741868, with internal and published modifications).